The following is an entry in ClinVar:

ClinVar aggregate classification (germline): Uncertain significance (1 of 4 stars; one submission).

Conditions:
Hereditary cancer-predisposing syndrome. Also called: Neoplastic Syndromes, Hereditary; Tumor predisposition; Hereditary neoplastic syndrome; Hereditary Cancer Syndrome. Identifiers: Orphanet 140162, MedGen C0027672, MeSH D009386, MONDO:0015356.

Submission:

Ambry Genetics
Classification: Uncertain significance for Hereditary cancer-predisposing syndrome. Last evaluated: 2024-05-08. Review status: criteria provided, single submitter. Criteria: Ambry Variant Classification Scheme 2023. Collection method: clinical testing. Allele origin: germline.
Comment: The p.L643H variant (also known as c.1928T>A), located in coding exon 11 of the RET gene, results from a T to A substitution at nucleotide position 1928. The leucine at codon 643 is replaced by histidine, an amino acid with similar properties. This amino acid position is conserved. In addition, this alteration is predicted to be deleterious by in silico analysis. Based on the available evidence, the clinical significance of this variant remains unclear.

NM_020975.6(RET):c.1928T>A (p.Leu643His)

Gene: RET (ret proto-oncogene; plus strand). Cytogenetic location: 10q11.21.
Variant type: single nucleotide variant.
Coding change: c.1928T>A on transcript NM_020975.6 (MANE Select); coding-DNA position 1928, T replaced by A.
Protein change: p.Leu643His; replaces leucine 643 with histidine.
Molecular consequence: missense variant. On other transcripts: intron variant (4).
Genome position (GRCh38, 1-based): chr10:43,114,528, T>A. VCF-style: chr10-43114528-T-A. GRCh37 (hg19) VCF-style: chr10-43609976-T-A.
Other names: c.1166T>A, p.Leu389His (NM_001355216.2); c.1928T>A, p.Leu643His (NM_001406743.1, NM_001406744.1, NM_001406759.1 and 2 more transcripts); c.1799T>A, p.Leu600His (NM_001406761.1, NM_001406762.1, NM_001406764.1); c.1640T>A, p.Leu547His (NM_001406766.1, NM_001406767.1, NM_001406770.1); c.1532T>A, p.Leu511His (NM_001406769.1, NM_001406772.1); c.1490T>A, p.Leu497His (NM_001406771.1, NM_001406773.1); c.1403T>A, p.Leu468His (NM_001406774.1); c.1202T>A, p.Leu401His (NM_001406775.1, NM_001406776.1, NM_001406777.1 and 1 more transcripts); and 10 more; short protein forms L248H, L344H, L468H, L643H, L389H, L497H, L511H, L160H.
Identifiers: ClinVar variation 3313732 (VCV003313732.1).
Genomic context (GRCh38, chr10:43,114,528, plus strand): 5'-CCCCACCCACAGATCCACTGTGCGACGAGCTGTGCCGCACGGTGATCGCAGCCGCTGTCC[T>A]CTTCTCCTTCATCGTCTCGGTGCTGCTGTCTGCCTTCTGCATCCACTGCTACCACAAGTT-3'
Protein context (NP_066124.1, residues 633-653): LCRTVIAAAV[Leu643His]FSFIVSVLLS